The following is an entry in ClinVar:

ClinVar aggregate classification (germline): Likely benign. Review status: criteria provided, single submitter (1 of 4 stars). 2 submissions from 2 submitters: Likely benign (1). 1 of the submissions does not count toward it. Last evaluated 2024-02-05.

Conditions:
GBE1-related disorder. Also called: GBE1-related condition; GBE1-related disorders. Identifiers: MedGen CN239402.

Allele frequency attached by ClinVar (database versions not stated): ExAC 0.00001; TOPMed 0.00006; gnomAD exomes 0.00007; gnomAD 0.00008.
gnomAD v4.1: 109 of 1,598,100 alleles (0.0068%); highest among the groups gnomAD compares: Non-Finnish European, 0.0091%; no homozygotes.

Submissions (2):

Blueprint Genetics
Classification: Likely benign. Last evaluated: 2024-02-05. Review status: criteria provided, single submitter. Criteria: ACMG Guidelines, 2015. Collection method: clinical testing. Allele origin: germline.

PreventionGenetics, part of Exact Sciences
Classification: Likely benign for GBE1-related condition. Last evaluated: 2019-05-01. Review status: no assertion criteria provided. Collection method: clinical testing. Allele origin: germline. Not counted in ClinVar's aggregate classification.
Comment: This variant is classified as likely benign based on ACMG/AMP sequence variant interpretation guidelines (Richards et al. 2015 PMID: 25741868, with internal and published modifications).

NM_000158.4(GBE1):c.-9C>A

Gene: GBE1 (1,4-alpha-glucan branching enzyme 1; minus strand). Cytogenetic location: 3p12.2.
Variant type: single nucleotide variant.
Coding change: c.-9C>A on transcript NM_000158.4 (MANE Select); 9 bases upstream of the start codon, C replaced by A.
Molecular consequence: 5 prime UTR variant.
Genome position (GRCh38, 1-based): chr3:81,761,526, G>T on the plus strand (C>A on the coding strand, the complement: GBE1 is on the minus strand). VCF-style: chr3-81761526-G-T. GRCh37 (hg19) VCF-style: chr3-81810677-G-T.
Identifiers: ClinVar variation 3043202 (VCV003043202.3), dbSNP rs749030382, ClinGen allele CA2500124.
Genomic context (GRCh38, chr3:81,761,526, plus strand): 5'-GCGCCGCCTCGTAGTCCTCGGGCCGAGCCGCGGGAGTCATCGGAGCCGCCATATTCCGCC[G>T]CAGTCCAAGTAGCCGAGGCCCGAGAGGTCGAGTGGGGCCTGAGCGGGCGCTGGAGCTCTA-3'